The following is an entry in ClinVar:

NM_003823.4(TNFRSF6B):c.223C>G (p.Pro75Ala)

Genes: RTEL1-TNFRSF6B (RTEL1-TNFRSF6B readthrough (NMD candidate); plus strand), TNFRSF6B (TNF receptor superfamily member 6b; plus strand). Cytogenetic location: 20q13.33.
Variant type: single nucleotide variant.
Coding change: c.223C>G on transcript NM_003823.4 (MANE Select); coding-DNA position 223, C replaced by G.
Protein change: p.Pro75Ala; replaces proline 75 with alanine.
Molecular consequence: missense variant. On other transcripts: non-coding transcript variant (1).
Genome position (GRCh38, 1-based): chr20:63,696,990, C>G. VCF-style: chr20-63696990-C-G. GRCh37 (hg19) VCF-style: chr20-62328343-C-G.
Other names: short protein forms P75A.
Identifiers: ClinVar variation 1376957 (VCV001376957.6), dbSNP rs1224394739, ClinGen allele CA409710992.

ClinVar aggregate classification (germline): Uncertain significance (1 of 4 stars; one submission).

Allele frequency attached by ClinVar (database versions not stated): TOPMed below 0.00001; gnomAD 0.00001.
gnomAD v4.1: 17 of 1,608,232 alleles (0.0011%); highest among the groups gnomAD compares: Non-Finnish European, 0.0014%; no homozygotes.

Submission:

Labcorp Genetics (formerly Invitae), Labcorp
Classification: Uncertain significance. Last evaluated: 2025-02-03. Review status: criteria provided, single submitter. Criteria: Invitae Variant Classification Sherloc (09022015). Collection method: clinical testing. Allele origin: germline.
Comment: This sequence change replaces proline, which is neutral and non-polar, with alanine, which is neutral and non-polar, at codon 75 of the TNFRSF6B protein (p.Pro75Ala). This variant is not present in population databases (gnomAD no frequency). This variant has not been reported in the literature in individuals affected with TNFRSF6B-related conditions. ClinVar contains an entry for this variant (Variation ID: 1376957). An algorithm developed to predict the effect of missense changes on protein structure and function (PolyPhen-2) suggests that this variant is likely to be tolerated. In summary, the available evidence is currently insufficient to determine the role of this variant in disease. Therefore, it has been classified as a Variant of Uncertain Significance.